The following is an entry in ClinVar:

ClinVar aggregate classification (germline): Uncertain significance (1 of 4 stars; one submission).

Submission:

Ambry Genetics
Classification: Uncertain significance. Last evaluated: 2023-10-01. Review status: criteria provided, single submitter. Criteria: Ambry Variant Classification Scheme 2023. Collection method: clinical testing. Allele origin: germline.
Comment: The p.H301Q variant (also known as c.903T>G), located in coding exon 9 of the BUB1 gene, results from a T to G substitution at nucleotide position 903. The histidine at codon 301 is replaced by glutamine, an amino acid with highly similar properties. This amino acid position is conserved. In addition, this alteration is predicted to be tolerated by in silico analysis. Since supporting evidence is limited at this time, the clinical significance of this alteration remains unclear.

NM_004336.5(BUB1):c.903T>G (p.His301Gln)

Gene: BUB1 (BUB1 mitotic checkpoint serine/threonine kinase; minus strand). Cytogenetic location: 2q13.
Variant type: single nucleotide variant.
Coding change: c.903T>G on transcript NM_004336.5 (MANE Select); coding-DNA position 903, T replaced by G.
Protein change: p.His301Gln; replaces histidine 301 with glutamine.
Molecular consequence: missense variant.
Genome position (GRCh38, 1-based): chr2:110,666,317, A>C on the plus strand (T>G on the coding strand, the complement: BUB1 is on the minus strand). VCF-style: chr2-110666317-A-C. GRCh37 (hg19) VCF-style: chr2-111423894-A-C.
Other names: c.843T>G, p.His281Gln (NM_001278616.2); c.903T>G, p.His301Gln (NM_001278617.2); short protein forms H281Q, H301Q.
Identifiers: ClinVar variation 3224128 (VCV003224128.1), dbSNP rs2468025873, ClinGen allele CA348216461.
Genomic context (GRCh38, chr2:110,666,317, plus strand): 5'-ACATACCTCGGACCTTTCCTGGGAAGCGGGCAGATCCTCATGGGATGTCTCCACCACCTG[A>C]TGCAACTTCTTATGAAGTTCATCCATTTTCTGTTTTAATAGCTGTTCTTCAAAAGCATTT-3'
Protein context (NP_004327.1, residues 291-311): QKMDELHKKL[His301Gln]QVVETSHEDL